The following is an entry in ClinVar:

NM_001363711.2(DUOX2):c.2852-18T>A

Gene: DUOX2 (dual oxidase 2; minus strand). Cytogenetic location: 15q21.1.
Variant type: single nucleotide variant.
Coding change: c.2852-18T>A on transcript NM_001363711.2 (MANE Select); 18 bases into the intron before coding-DNA position 2852, T replaced by A.
Molecular consequence: intron variant.
Genome position (GRCh38, 1-based): chr15:45,101,292, A>T on the plus strand (T>A on the coding strand, the complement: DUOX2 is on the minus strand). VCF-style: chr15-45101292-A-T. GRCh37 (hg19) VCF-style: chr15-45393490-A-T.
Other names: c.2852-18T>A (NM_014080.5).
Identifiers: ClinVar variation 2019325 (VCV002019325.4), dbSNP rs2504755143, ClinGen allele CA2580089514.

ClinVar aggregate classification (germline): Uncertain significance (1 of 4 stars; one submission).

Submission:

Labcorp Genetics (formerly Invitae), Labcorp
Classification: Uncertain significance. Last evaluated: 2022-07-23. Review status: criteria provided, single submitter. Criteria: Invitae Variant Classification Sherloc (09022015). Collection method: clinical testing. Allele origin: germline.
Comment: In summary, the available evidence is currently insufficient to determine the role of this variant in disease. Therefore, it has been classified as a Variant of Uncertain Significance. Algorithms developed to predict the effect of sequence changes on RNA splicing suggest that this variant may disrupt the consensus splice site. This variant has not been reported in the literature in individuals affected with DUOX2-related conditions. This variant is not present in population databases (gnomAD no frequency). This sequence change falls in intron 21 of the DUOX2 gene. It does not directly change the encoded amino acid sequence of the DUOX2 protein.